The following is an entry in ClinVar:

NM_176824.3(BBS7):c.718+3A>T

Gene: BBS7 (Bardet-Biedl syndrome 7; minus strand). Cytogenetic location: 4q27.
Variant type: single nucleotide variant.
Coding change: c.718+3A>T on transcript NM_176824.3 (MANE Select); 3 bases into the intron after coding-DNA position 718, A replaced by T.
Molecular consequence: intron variant.
Genome position (GRCh38, 1-based): chr4:121,854,701, T>A on the plus strand (A>T on the coding strand, the complement: BBS7 is on the minus strand). VCF-style: chr4-121854701-T-A. GRCh37 (hg19) VCF-style: chr4-122775856-T-A.
Other names: c.718+3A>T (NM_018190.4).
Identifiers: ClinVar variation 2072025 (VCV002072025.4), dbSNP rs1273330717, ClinGen allele CA2580071437.

ClinVar aggregate classification (germline): Uncertain significance (1 of 4 stars; one submission).

Conditions:
Bardet-Biedl syndrome (BBS). Identifiers: Orphanet 110, MedGen C0752166, MONDO:0015229.

Submission:

Labcorp Genetics (formerly Invitae), Labcorp
Classification: Uncertain significance for Bardet-Biedl syndrome. Last evaluated: 2022-01-03. Review status: criteria provided, single submitter. Criteria: Invitae Variant Classification Sherloc (09022015). Collection method: clinical testing. Allele origin: germline.
Comment: Variants that disrupt the consensus splice site are a relatively common cause of aberrant splicing (PMID: 17576681, 9536098). Algorithms developed to predict the effect of sequence changes on RNA splicing suggest that this variant may disrupt the consensus splice site. In summary, the available evidence is currently insufficient to determine the role of this variant in disease. Therefore, it has been classified as a Variant of Uncertain Significance. This variant has been observed in individual(s) with clinical features of Bardet-Biedl syndrome (Invitae). This variant is not present in population databases (gnomAD no frequency). This sequence change falls in intron 7 of the BBS7 gene. It does not directly change the encoded amino acid sequence of the BBS7 protein. It affects a nucleotide within the consensus splice site.

Literature cited by the submitters: PubMed 17576681; PubMed 9536098.